The following is an entry in ClinVar:

NM_172107.4(KCNQ2):c.1024-314G>T

Gene: KCNQ2 (potassium voltage-gated channel subfamily Q member 2; minus strand). Cytogenetic location: 20q13.33.
Variant type: single nucleotide variant.
Coding change: c.1024-314G>T on transcript NM_172107.4 (MANE Select); 314 bases into the intron before coding-DNA position 1024, G replaced by T.
Molecular consequence: intron variant.
Genome position (GRCh38, 1-based): chr20:63,434,217, C>A on the plus strand (G>T on the coding strand, the complement: KCNQ2 is on the minus strand). VCF-style: chr20-63434217-C-A. GRCh37 (hg19) VCF-style: chr20-62065570-C-A.
Other names: c.1024-314G>T (NM_004518.6, NM_172108.5, NM_172106.3 and 2 more transcripts).
Identifiers: ClinVar variation 3906042 (VCV003906042.10).

ClinVar aggregate classification (germline): Likely benign (1 of 4 stars; one submission).

gnomAD v4.1: 1 of 406,608 alleles (0.00025%); highest among the groups gnomAD compares: Admixed American, 0.0042%; no homozygotes.

Submission:

CeGaT Center for Human Genetics Tuebingen
Classification: Likely benign. Last evaluated: 2025-06-01. Review status: criteria provided, single submitter. Criteria: CeGaT Center For Human Genetics Tuebingen Variant Classification Criteria Version 2. Collection method: clinical testing. Allele origin: germline. Affected: yes. Observed: 1 variant allele.
Comment: KCNQ2: BP4, BP7